The following is an entry in ClinVar:

ClinVar aggregate classification (germline): Conflicting classifications of pathogenicity. Review status: criteria provided, conflicting classifications (1 of 4 stars). 11 submissions from 10 submitters: Uncertain significance (1); Benign (7). 3 of the submissions do not count toward it. Last evaluated 2026-09-01.

Conditions:
Centronuclear myopathy (CNM). Also called: Myotubular myopathy; Centronuclear myopathy, congenital. Identifiers: Orphanet 595, MedGen C0175709, MONDO:0018947. Inheritance: All.
Charcot-Marie-Tooth disease dominant intermediate B (CMTDIB). Also called: CHARCOT-MARIE-TOOTH NEUROPATHY, DOMINANT INTERMEDIATE B; Charcot-Marie-Tooth disease dominant intermediate 1; CMT DI1; Charcot-Marie-Tooth disease dominant intermediate I. Identifiers: Orphanet 100044, Orphanet 228179, MedGen C1847902, MONDO:0011674, OMIM 606482.
Autosomal dominant centronuclear myopathy. Also called: MYOTUBULAR MYOPATHY, AUTOSOMAL DOMINANT; Myopathy, centronuclear, 3. Identifiers: Orphanet 169189, MedGen C4551952, MeSH D020914, MONDO:0008048, OMIM 160150.

Allele frequency attached by ClinVar (database versions not stated): 1000 Genomes Project 30x 0.00406; 1000 Genomes Project 0.00479; TOPMed 0.00862; ESP Exome Variant Server 0.00900; gnomAD 0.00937 and 0.00953; ExAC 0.01054.
gnomAD v4.1: 20,414 of 1,613,952 alleles (1.3%); highest among the groups gnomAD compares: Non-Finnish European, 1.5%; 173 homozygotes.

Submissions (11):

CeGaT Center for Human Genetics Tuebingen
Classification: Benign. Last evaluated: 2026-09-01. Review status: criteria provided, single submitter. Criteria: CeGaT Center For Human Genetics Tuebingen Variant Classification Criteria Version 2. Collection method: clinical testing. Allele origin: germline. Affected: yes. Observed: 50 variant alleles.
Comment: DNM2: BS1, BS2

Labcorp Genetics (formerly Invitae), Labcorp
Classification: Benign for Charcot-Marie-Tooth disease dominant intermediate B. Last evaluated: 2026-02-03. Review status: criteria provided, single submitter. Criteria: Invitae Variant Classification Sherloc (09022015). Collection method: clinical testing. Allele origin: germline.

ARUP Laboratories, Molecular Genetics and Genomics, ARUP Laboratories
Classification: Benign. Last evaluated: 2025-05-11. Review status: criteria provided, single submitter. Criteria: ARUP Molecular Germline Variant Investigation Process 2024. Collection method: clinical testing. Allele origin: germline.

Illumina Laboratory Services, Illumina
Classification: Benign for Autosomal dominant centronuclear myopathy. Last evaluated: 2018-01-12. Review status: criteria provided, single submitter. Criteria: ICSL Variant Classification Criteria 13 December 2019. Collection method: clinical testing. Allele origin: germline.
Comment: This variant was observed in the ICSL laboratory as part of a predisposition screen in an ostensibly healthy population. It had not been previously curated by ICSL or reported in the Human Gene Mutation Database (HGMD: prior to June 1st, 2018), and was therefore a candidate for classification through an automated scoring system. Utilizing variant allele frequency, disease prevalence and penetrance estimates, and inheritance mode, an automated score was calculated to assess if this variant is too frequent to cause the disease. Based on the score and internal cut-off values, a variant classified as benign is not then subjected to further curation. The score for this variant resulted in a classification of benign for this disease.

Illumina Laboratory Services, Illumina
Classification: Benign for Charcot-Marie-Tooth disease dominant intermediate B. Last evaluated: 2018-01-12. Review status: criteria provided, single submitter. Criteria: ICSL Variant Classification Criteria 13 December 2019. Collection method: clinical testing. Allele origin: germline.
Comment: the same text as in the submission from Illumina Laboratory Services, Illumina above.

GeneDx
Classification: Benign. Last evaluated: 2015-03-03. Review status: criteria provided, single submitter. Criteria: GeneDx Variant Classification Process June 2021. Collection method: clinical testing. Allele origin: germline. Affected: yes.

Genetic Services Laboratory, University of Chicago
Classification: Uncertain significance for Myopathy, centronuclear. Last evaluated: 2013-02-08. Review status: criteria provided, single submitter. Criteria: ACMG Guidelines, 2007. Collection method: clinical testing. Allele origin: germline. Inheritance: Autosomal dominant inheritance.

PreventionGenetics, part of Exact Sciences
Classification: Benign. Review status: criteria provided, single submitter. Criteria: ACMG Guidelines, 2015. Collection method: clinical testing. Allele origin: germline.

Clinical Genetics, Academic Medical Center
Classification: Benign. Review status: no assertion criteria provided. Collection method: clinical testing. Allele origin: germline. Affected: yes. Study: VKGL Data-share Consensus. Not counted in ClinVar's aggregate classification.

Genome Diagnostics Laboratory, University Medical Center Utrecht
Classification: Benign. Review status: no assertion criteria provided. Collection method: clinical testing. Allele origin: germline. Affected: yes. Study: VKGL Data-share Consensus. Not counted in ClinVar's aggregate classification.

Joint Genome Diagnostic Labs from Nijmegen and Maastricht, Radboudumc and MUMC+
Classification: Benign. Review status: no assertion criteria provided. Collection method: clinical testing. Allele origin: germline. Affected: yes. Study: VKGL Data-share Consensus. Not counted in ClinVar's aggregate classification.

NM_001005361.3(DNM2):c.235+12C>A

Gene: DNM2 (dynamin 2; plus strand). Cytogenetic location: 19p13.2.
Variant type: single nucleotide variant.
Coding change: c.235+12C>A on transcript NM_001005361.3 (MANE Select); 12 bases into the intron after coding-DNA position 235, C replaced by A.
Molecular consequence: intron variant.
Genome position (GRCh38, 1-based): chr19:10,759,823, C>A. VCF-style: chr19-10759823-C-A. GRCh37 (hg19) VCF-style: chr19-10870499-C-A.
Other names: c.235+12C>A (NM_001005360.3, NM_001190716.2, NM_004945.4 and 1 more transcripts).
Identifiers: ClinVar variation 158524 (VCV000158524.62), dbSNP rs147026993, ClinGen allele CA172125.